The following is an entry in ClinVar:

ClinVar aggregate classification (germline): Uncertain significance (1 of 4 stars; one submission).

Conditions:
Leber congenital amaurosis 6 (LCA6). Identifiers: Orphanet 65, MedGen C1854260, MONDO:0013446, OMIM 613826.
Cone-rod dystrophy 13 (CORD13). Identifiers: Orphanet 1872, MedGen C2750720, MONDO:0011987, OMIM 608194.

Allele frequency attached by ClinVar (database versions not stated): gnomAD exomes 0.00001 and 0.00003; ExAC 0.00002; gnomAD 0.00005 and 0.00006; TOPMed 0.00007; ESP Exome Variant Server 0.00008.
gnomAD v4.1: 18 of 1,613,576 alleles (0.0011%); highest among the groups gnomAD compares: African/African-American, 0.021%; no homozygotes.

Submission:

Labcorp Genetics (formerly Invitae), Labcorp
Classification: Uncertain significance for Leber congenital amaurosis 6; Cone-rod dystrophy 13. Last evaluated: 2022-02-04. Review status: criteria provided, single submitter. Criteria: Invitae Variant Classification Sherloc (09022015). Collection method: clinical testing. Allele origin: germline.
Comment: This sequence change replaces glycine, which is neutral and non-polar, with arginine, which is basic and polar, at codon 1008 of the RPGRIP1 protein (p.Gly1008Arg). This variant is present in population databases (rs377551155, gnomAD 0.03%). This variant has not been reported in the literature in individuals affected with RPGRIP1-related conditions. ClinVar contains an entry for this variant (Variation ID: 1040480). Algorithms developed to predict the effect of missense changes on protein structure and function (SIFT, PolyPhen-2, Align-GVGD) all suggest that this variant is likely to be disruptive. In summary, the available evidence is currently insufficient to determine the role of this variant in disease. Therefore, it has been classified as a Variant of Uncertain Significance.

NM_020366.4(RPGRIP1):c.3022G>C (p.Gly1008Arg)

Gene: RPGRIP1 (RPGR interacting protein 1; plus strand). Cytogenetic location: 14q11.2.
Variant type: single nucleotide variant.
Coding change: c.3022G>C on transcript NM_020366.4 (MANE Select); coding-DNA position 3022, G replaced by C.
Protein change: p.Gly1008Arg; replaces glycine 1008 with arginine.
Molecular consequence: missense variant.
Genome position (GRCh38, 1-based): chr14:21,328,550, G>C. VCF-style: chr14-21328550-G-C. GRCh37 (hg19) VCF-style: chr14-21796709-G-C.
Other names: c.1000G>C, p.Gly334Arg (NM_001377523.1, NM_001377950.1); c.1948G>C, p.Gly650Arg (NM_001377948.1); c.1108G>C, p.Gly370Arg (NM_001377949.1); c.502G>C, p.Gly168Arg (NM_001377951.1); short protein forms G334R, G370R, G168R, G1008R, G650R.
Identifiers: ClinVar variation 1040480 (VCV001040480.6), dbSNP rs377551155, ClinGen allele CA7089392.